The following is an entry in ClinVar:

NM_004612.4(TGFBR1):c.249G>A (p.Pro83=)

Gene: TGFBR1 (transforming growth factor beta receptor 1; plus strand). Cytogenetic location: 9q22.33.
Variant type: single nucleotide variant.
Coding change: c.249G>A on transcript NM_004612.4 (MANE Select); coding-DNA position 249, G replaced by A.
Protein change: p.Pro83=; no amino-acid change (proline 83 retained).
Molecular consequence: synonymous variant.
Genome position (GRCh38, 1-based): chr9:99,129,006, G>A. VCF-style: chr9-99129006-G-A. GRCh37 (hg19) VCF-style: chr9-101891288-G-A.
Other names: c.249G>A, p.Pro83= (NM_001130916.3, NM_001306210.2).
Identifiers: ClinVar variation 390446 (VCV000390446.22), dbSNP rs200091200, ClinGen allele CA041312.
Genomic context (GRCh38, chr9:99,129,006, plus strand): 5'-CAAAGTTATACACAACAGCATGTGTATAGCTGAAATTGACTTAATTCCTCGAGATAGGCC[G>A]TTTGTATGTGCACCCTCTTCAAAAACTGGGTCTGTGACTACAACATATTGCTGCAATCAG-3'
Protein context (NP_004603.1, residues 73-93): AEIDLIPRDR[Pro83=]FVCAPSSKTG

ClinVar aggregate classification (germline): Likely benign. Review status: criteria provided, multiple submitters, no conflicts (2 of 4 stars). 6 submissions from 6 submitters: Likely benign (6). Last evaluated 2026-06-12.

Conditions:
Loeys-Dietz syndrome (LDS). Identifiers: Orphanet 60030, MedGen C2697932, MONDO:0018954.
Familial thoracic aortic aneurysm and aortic dissection (TAAD). Also called: Thoracic aortic aneurysms and dissections. Identifiers: Orphanet 91387, MedGen C4707243, MONDO:0019625.

Allele frequency attached by ClinVar (database versions not stated): ExAC 0.00001; gnomAD exomes 0.00001; TOPMed 0.00002.
gnomAD v4.1: 20 of 1,613,970 alleles (0.0012%); highest among the groups gnomAD compares: Middle Eastern, 0.017%; no homozygotes.

Submissions (6):

Women's Health and Genetics/Laboratory Corporation of America, LabCorp
Classification: Likely benign. Last evaluated: 2026-06-12. Review status: criteria provided, single submitter. Criteria: LabCorp Variant Classification Summary - May 2015. Collection method: clinical testing. Allele origin: germline.

Labcorp Genetics (formerly Invitae), Labcorp
Classification: Likely benign for Familial thoracic aortic aneurysm and aortic dissection. Last evaluated: 2025-11-21. Review status: criteria provided, single submitter. Criteria: Invitae Variant Classification Sherloc (09022015). Collection method: clinical testing. Allele origin: germline.

CeGaT Center for Human Genetics Tuebingen
Classification: Likely benign. Last evaluated: 2025-07-01. Review status: criteria provided, single submitter. Criteria: CeGaT Center For Human Genetics Tuebingen Variant Classification Criteria Version 2. Collection method: clinical testing. Allele origin: germline. Affected: yes. Observed: 1 variant allele.
Comment: TGFBR1: BP4, BP7

All of Us Research Program, National Institutes of Health
Classification: Likely benign for Loeys-Dietz syndrome. Last evaluated: 2023-08-15. Review status: criteria provided, single submitter. Criteria: ACMG Guidelines, 2015. Collection method: clinical testing. Allele origin: germline. Inheritance: Autosomal dominant inheritance. Observed: 3 variant alleles, 3 heterozygotes.
Comment: This study involves interpretation of variants in research participants for the purpose of population health screening. Participant phenotype was not available at the time of variant classification. Additional details can be found in publication PMID: 35346344, PMCID: PMC8962531

Color Diagnostics, LLC DBA Color Health
Classification: Likely benign for Familial thoracic aortic aneurysm and aortic dissection. Last evaluated: 2019-11-06. Review status: criteria provided, single submitter. Criteria: ACMG Guidelines, 2015. Collection method: clinical testing. Allele origin: germline.

GeneDx
Classification: Likely benign. Last evaluated: 2016-11-02. Review status: criteria provided, single submitter. Criteria: GeneDx Variant Classification (06012015). Collection method: clinical testing. Allele origin: germline. Affected: yes.
Comment: This variant is considered likely benign or benign based on one or more of the following criteria: it is a conservative change, it occurs at a poorly conserved position in the protein, it is predicted to be benign by multiple in silico algorithms, and/or has population frequency not consistent with disease.